The following is an entry in ClinVar:

ClinVar aggregate classification (germline): Conflicting classifications of pathogenicity. Review status: criteria provided, conflicting classifications (1 of 4 stars). 3 submissions from 3 submitters: Uncertain significance (2); Likely benign (1). Last evaluated 2026-03-01.

Conditions:
Intellectual developmental disorder, autosomal dominant 44, with microcephaly. Also called: Micrognathia-recurrent infections-behavioral abnormalities-mild intellectual disability syndrome; TRIO-Related Intellectual Disability. Identifiers: Orphanet 476126, MedGen C4310740, MONDO:0014892, OMIM 617061.

Allele frequency attached by ClinVar (database versions not stated): 1000 Genomes Project 30x 0.00031; gnomAD 0.00004; ExAC 0.00004; 1000 Genomes Project 0.00020; TOPMed 0.00002; gnomAD exomes 0.00005.
gnomAD v4.1: 31 of 1,614,276 alleles (0.0019%); highest among the groups gnomAD compares: East Asian, 0.013%; no homozygotes.

Submissions (3):

CeGaT Center for Human Genetics Tuebingen
Classification: Likely benign. Last evaluated: 2026-03-01. Review status: criteria provided, single submitter. Criteria: CeGaT Center For Human Genetics Tuebingen Variant Classification Criteria Version 2. Collection method: clinical testing. Allele origin: germline. Affected: yes. Observed: 1 variant allele.
Comment: TRIO: BS1

GeneDx
Classification: Uncertain significance. Last evaluated: 2024-03-25. Review status: criteria provided, single submitter. Criteria: GeneDx Variant Classification Process June 2021. Collection method: clinical testing. Allele origin: germline. Affected: yes.
Comment: In silico analysis supports that this missense variant has a deleterious effect on protein structure/function; This variant is associated with the following publications: (PMID: 33004838)

Genomic Research Center, Shahid Beheshti University of Medical Sciences
Classification: Uncertain significance for Mental retardation, autosomal dominant 44. Last evaluated: 2019-04-27. Review status: criteria provided, single submitter. Criteria: ACMG Guidelines, 2015. Collection method: clinical testing. Allele origin: unknown. Affected: yes.

NM_007118.4(TRIO):c.2276C>T (p.Thr759Met)

Gene: TRIO (trio Rho guanine nucleotide exchange factor; plus strand). Cytogenetic location: 5p15.2.
Variant type: single nucleotide variant.
Coding change: c.2276C>T on transcript NM_007118.4 (MANE Select); coding-DNA position 2276, C replaced by T.
Protein change: p.Thr759Met; replaces threonine 759 with methionine.
Molecular consequence: missense variant. On other transcripts: non-coding transcript variant (1).
Genome position (GRCh38, 1-based): chr5:14,359,416, C>T. VCF-style: chr5-14359416-C-T. GRCh37 (hg19) VCF-style: chr5-14359525-C-T.
Other names: c.2276C>T (NM_007118.2); short protein forms T759M.
Identifiers: ClinVar variation 638405 (VCV000638405.8), dbSNP rs201514384, ClinGen allele CA3205857.